The following is an entry in ClinVar:

ClinVar aggregate classification (germline): Uncertain significance (1 of 4 stars; one submission).

Conditions:
Hereditary cancer-predisposing syndrome. Also called: Hereditary neoplastic syndrome; Neoplastic Syndromes, Hereditary; Tumor predisposition; Hereditary Cancer Syndrome. Identifiers: Orphanet 140162, MedGen C0027672, MeSH D009386, MONDO:0015356.

Submission:

Ambry Genetics
Classification: Uncertain significance for Hereditary cancer-predisposing syndrome. Last evaluated: 2025-08-20. Review status: criteria provided, single submitter. Criteria: Ambry Variant Classification Scheme 2023. Collection method: clinical testing. Allele origin: germline.
Comment: The p.G429R variant (also known as c.1285G>C), located in coding exon 8 of the PDGFRA gene, results from a G to C substitution at nucleotide position 1285. The glycine at codon 429 is replaced by arginine, an amino acid with dissimilar properties. This amino acid position is well conserved in available vertebrate species. In addition, this alteration is predicted to be tolerated by in silico analysis. Based on the available evidence, the clinical significance of this variant remains unclear.

NM_006206.6(PDGFRA):c.1285G>C (p.Gly429Arg)

Gene: PDGFRA (platelet derived growth factor receptor alpha; plus strand). Cytogenetic location: 4q12.
Variant type: single nucleotide variant.
Coding change: c.1285G>C on transcript NM_006206.6 (MANE Select); coding-DNA position 1285, G replaced by C.
Protein change: p.Gly429Arg; replaces glycine 429 with arginine.
Molecular consequence: missense variant.
Genome position (GRCh38, 1-based): chr4:54,272,441, G>C. VCF-style: chr4-54272441-G-C. GRCh37 (hg19) VCF-style: chr4-55138608-G-C.
Other names: c.1285G>C, p.Gly429Arg (NM_001347827.2, NM_001347829.2); c.1360G>C, p.Gly454Arg (NM_001347828.2); c.1324G>C, p.Gly442Arg (NM_001347830.2); short protein forms G429R, G442R, G454R.
Identifiers: ClinVar variation 4133996 (VCV004133996.1).
Genomic context (GRCh38, chr4:54,272,441, plus strand): 5'-CTGCCTCTTGCAGTTCCTTCATCCATTCTGGACTTGGTCGATGATCACCATGGCTCAACT[G>C]GGGGACAGACGGTGAGGTGCACAGCTGAAGGCACGCCGCTTCCTGATATTGAGTGGATGA-3'
Protein context (NP_006197.1, residues 419-439): DLVDDHHGST[Gly429Arg]GQTVRCTAEG